The following is an entry in ClinVar:

NM_001009944.3(PKD1):c.12461G>C (p.Arg4154Pro)

Gene: PKD1 (polycystin 1, transient receptor potential channel interacting; minus strand). Cytogenetic location: 16p13.3.
Variant type: single nucleotide variant.
Coding change: c.12461G>C on transcript NM_001009944.3 (MANE Select); coding-DNA position 12461, G replaced by C.
Protein change: p.Arg4154Pro; replaces arginine 4154 with proline.
Molecular consequence: missense variant.
Genome position (GRCh38, 1-based): chr16:2,090,178, C>G on the plus strand (G>C on the coding strand, the complement: PKD1 is on the minus strand). VCF-style: chr16-2090178-C-G. GRCh37 (hg19) VCF-style: chr16-2140179-C-G.
Other names: c.12458G>C, p.Arg4153Pro (NM_000296.4); short protein forms R4153P, R4154P.
Identifiers: ClinVar variation 4853393 (VCV004853393.1).
Genomic context (GRCh38, chr16:2,090,178, plus strand): 5'-TCCGGGGATACCTTGGAGCCCCTGGAGGAGCGAGAGGGCAGCGGCTCCATCCCTTCAAAG[C>G]GGACTTTGTGGCGGAACTGGGGGCGGCACAGGGGCTCAGTCAGTCCGGCTGCACCCTGGG-3'
Protein context (NP_001009944.3, residues 4144-4164): SKVKEFRHKV[Arg4154Pro]FEGMEPLPSR

ClinVar aggregate classification (germline): Uncertain significance (1 of 4 stars; one submission).

Submission:

Women's Health and Genetics/Laboratory Corporation of America, LabCorp
Classification: Uncertain significance. Last evaluated: 2026-05-08. Review status: criteria provided, single submitter. Criteria: LabCorp Variant Classification Summary - May 2015. Collection method: clinical testing. Allele origin: germline.
Comment: Variant summary: PKD1 c.12461G>C (p.Arg4154Pro) results in a non-conservative amino acid change in the encoded protein sequence. Algorithms developed to predict the effect of missense changes on protein structure and function are either unavailable or do not agree on the potential impact of this missense change. The variant was absent in 236864 control chromosomes (gnomAD). The available data on variant occurrences in the general population are insufficient to allow any conclusion about variant significance. c.12461G>C has been observed in at least one individual affected with autosomal-dominant polycystic kidney disease (Neumann_2013). The report does not provide unequivocal conclusions about association of the variant with PKD1-related conditions. To our knowledge, no experimental evidence demonstrating an impact on protein function has been reported. The following publication have been ascertained in the context of this evaluation (PMID: 23300259). No submitters have cited clinical-significance assessments for this variant to ClinVar. Based on the evidence outlined above, the variant was classified as uncertain significance.

Literature cited by the submitters: PubMed 23300259.